The following is an entry in ClinVar:

NM_001267550.2(TTN):c.80174_80202dup (p.Ser26735delinsGlnProGluLysArgMetLeuMetTer)

Genes: TTN (titin; minus strand), TTN-AS1 (TTN antisense RNA 1; plus strand). Cytogenetic location: 2q31.2.
Variant type: Duplication.
Coding change: c.80174_80202dup on transcript NM_001267550.2 (MANE Select); coding-DNA positions 80174 to 80202, 29 bases duplicated (CAACCAGAAAAGCGTATGCTAATGTGAGT).
Protein change: p.Ser26735delinsGlnProGluLysArgMetLeuMetTer.
Molecular consequence: nonsense.
Genome position (GRCh38, 1-based): chr2:178,565,930-178,565,958, ACTCACATTAGCATACGCTTTTCTGGTTG duplicated on the plus strand (CAACCAGAAAAGCGTATGCTAATGTGAGT on the coding strand, the reverse complement: TTN is on the minus strand); duplicating any 29 consecutive bases within chr2:178,565,930-178,565,964 gives the same sequence; the c. name uses the placement nearest the transcript's 3' end. VCF-style (leftmost placement, unchanged base first): chr2-178565929-T-TACTCACATTAGCATACGCTTTTCTGGTTG. GRCh37 (hg19) VCF-style: chr2-179430656-T-TACTCACATTAGCATACGCTTTTCTGGTTG.
Other names: c.80174_80202dup (NM_001267550.1); c.52979_53007dupCAACCAGAAAAGCGTATGCTAATGTGAGT (NM_003319.4); c.75251_75279dup, p.Ser25094delinsGlnProGluLysArgMetLeuMetTer (NM_001256850.1); c.52979_53007dup, p.Ser17670delinsGlnProGluLysArgMetLeuMetTer (NM_003319.4); c.72470_72498dup, p.Ser24167delinsGlnProGluLysArgMetLeuMetTer (NM_133378.4); c.53354_53382dup, p.Ser17795delinsGlnProGluLysArgMetLeuMetTer (NM_133432.3); c.53555_53583dup, p.Ser17862delinsGlnProGluLysArgMetLeuMetTer (NM_133437.4).
Identifiers: ClinVar variation 1066882 (VCV001066882.13), dbSNP rs2154165199, ClinGen allele CA2499215351.

ClinVar aggregate classification (germline): Likely pathogenic. Review status: criteria provided, multiple submitters, no conflicts (2 of 4 stars). 3 submissions from 3 submitters: Likely pathogenic (3). Last evaluated 2026-03-12.

Conditions:
Autosomal recessive limb-girdle muscular dystrophy type 2J (LGMDR10). Also called: Limb-girdle muscular dystrophy, type 2J; MUSCULAR DYSTROPHY, LIMB-GIRDLE, AUTOSOMAL RECESSIVE 10. Identifiers: Orphanet 140922, MedGen C1837342, MONDO:0012127, OMIM 608807.
Dilated cardiomyopathy 1G (CMD1G). Identifiers: Orphanet 154, MedGen C1858763, MONDO:0011400, OMIM 604145.
Cardiovascular phenotype. Identifiers: MedGen CN230736.

Submissions (3):

GeneDx
Classification: Likely pathogenic. Last evaluated: 2026-03-12. Review status: criteria provided, single submitter. Criteria: GeneDx Variant Classification Process June 2021. Collection method: clinical testing. Allele origin: germline.
Comment: Identified in a patient with DCM in published literature (PMID: 31931689); Not observed at significant frequency in large population cohorts (gnomAD); Frameshift variant predicted to result in protein truncation or nonsense mediated decay in a gene for which loss of function is a known mechanism of disease; Located in the A-band, a region of TTN for which truncating variants are significantly associated with autosomal dominant cardiomyopathy and also with autosomal recessive skeletal myopathies (PMID: 22335739, 32778822); This variant is associated with the following publications: (PMID: 31931689, 22335739, 32778822)

Labcorp Genetics (formerly Invitae), Labcorp
Classification: Likely pathogenic for Dilated cardiomyopathy 1G; Autosomal recessive limb-girdle muscular dystrophy type 2J. Last evaluated: 2025-01-11. Review status: criteria provided, single submitter. Criteria: Invitae Variant Classification Sherloc (09022015). Collection method: clinical testing. Allele origin: germline.
Comment: This sequence change creates a premature translational stop signal (p.Ser26735Glnfs*9) in the TTN gene. While this is not anticipated to result in nonsense mediated decay, it is expected to create a truncated TTN protein. This variant is not present in population databases (gnomAD no frequency). This premature translational stop signal has been observed in individual(s) with dilated cardiomyopathy (PMID: 31931689). ClinVar contains an entry for this variant (Variation ID: 1066882). This variant is located in the A band of TTN (PMID: 25589632). Truncating variants in this region are significantly overrepresented in patients affected with dilated cardiomyopathy (PMID: 25589632). Truncating variants in this region have also been reported in individuals affected with autosomal recessive centronuclear myopathy (PMID: 23975875). In summary, the currently available evidence indicates that the variant is pathogenic, but additional data are needed to prove that conclusively. Therefore, this variant has been classified as Likely Pathogenic.

Ambry Genetics
Classification: Likely pathogenic for Cardiovascular phenotype. Last evaluated: 2020-01-16. Review status: criteria provided, single submitter. Criteria: Ambry Variant Classification Scheme 2023. Collection method: clinical testing. Allele origin: germline.
Comment: The c.52979_53007dup29 variant, located in coding exon 153 of the TTN gene, results from a duplication of 29 nucleotides at positions 52979 to 53007 causing a translational frameshift with a predicted alternate stop codon (p.S17670Qfs*9). This exon is located in the A-band region of the N2-B isoform of the titin protein and is constitutively expressed in TTN transcripts (percent spliced in or PSI 100%). This variant (referred to as c.80174_80202dup, p.S26735Qfs*9) has been detected in a dilated cardiomyopathy (DCM) cohort; however, clinical details were limited (Ramchand J et al. J Am Heart Assoc. 2020 Jan;9(2):e013346). This alteration is expected to result in loss of function by premature protein truncation or nonsense-mediated mRNA decay. While truncating variants in TTN are present in 1-3% of the general population, truncating variants in the A-band are the most common cause of DCM (Herman DS et al. N. Engl. J. Med., 2012 Feb;366:619-28; Roberts AM et al. Sci Transl Med, 2015 Jan;7:270ra6). TTN truncating variants encoded in constitutive exons (PSI >90%) have been found to be significantly associated with DCM regardless of their position in titin (Schafer S et al. Nat. Genet., 2017 01;49:46-53). As such, this alteration is classified as likely pathogenic.

Literature cited by the submitters: PubMed 31931689 (cited by Labcorp Genetics (formerly Invitae), Labcorp and Ambry Genetics); PubMed 25589632 (cited by Labcorp Genetics (formerly Invitae), Labcorp); PubMed 23975875 (cited by Labcorp Genetics (formerly Invitae), Labcorp).